The following is an entry in ClinVar:

NM_152416.4(NDUFAF6):c.395A>G (p.Gln132Arg)

Gene: NDUFAF6 (NADH:ubiquinone oxidoreductase complex assembly factor 6; plus strand). Cytogenetic location: 8q22.1.
Variant type: single nucleotide variant.
Coding change: c.395A>G on transcript NM_152416.4 (MANE Select); coding-DNA position 395, A replaced by G.
Protein change: p.Gln132Arg; replaces glutamine 132 with arginine.
Molecular consequence: missense variant. On other transcripts: non-coding transcript variant (6), 5 prime UTR variant (10).
Genome position (GRCh38, 1-based): chr8:95,035,551, A>G. VCF-style: chr8-95035551-A-G. GRCh37 (hg19) VCF-style: chr8-96047779-A-G.
Other names: c.119A>G, p.Gln40Arg (NM_001330582.2, NM_001354514.2, NM_001354515.2 and 1 more transcripts); c.239A>G, p.Gln80Arg (NM_001354516.2); c.62A>G, p.Gln21Arg (NM_001354517.2, NM_001354518.2, NM_001354519.2 and 1 more transcripts); c.-186A>G (NM_001354522.2, NM_001354529.2, NM_001354530.2 and 1 more transcripts); c.-255A>G (NM_001354524.2, NM_001354525.2, NM_001354528.2 and 1 more transcripts); c.-284A>G (NM_001354527.2, NM_001354531.2); short protein forms Q132R, Q21R, Q40R, Q80R.
Identifiers: ClinVar variation 4687056 (VCV004687056.1).

ClinVar aggregate classification (germline): Uncertain significance (1 of 4 stars; one submission).

gnomAD v4.1: 10 of 1,611,294 alleles (0.00062%); highest among the groups gnomAD compares: African/African-American, 0.011%; no homozygotes.

Submission:

GeneDx
Classification: Uncertain significance. Last evaluated: 2025-07-25. Review status: criteria provided, single submitter. Criteria: GeneDx Variant Classification Process June 2021. Collection method: clinical testing. Allele origin: germline. Affected: yes.
Comment: Not observed at significant frequency in large population cohorts (gnomAD); In silico analysis suggests that this missense variant does not alter protein structure/function; Has not been previously published as pathogenic or benign to our knowledge